The following is an entry in ClinVar:

NM_003072.5(SMARCA4):c.2318T>C (p.Leu773Pro)

Gene: SMARCA4 (SWI/SNF related BAF chromatin remodeling complex subunit ATPase 4; plus strand). Cytogenetic location: 19p13.2.
Variant type: single nucleotide variant.
Coding change: c.2318T>C on transcript NM_003072.5 (MANE Select); coding-DNA position 2318, T replaced by C.
Protein change: p.Leu773Pro; replaces leucine 773 with proline.
Molecular consequence: missense variant. On other transcripts: non-coding transcript variant (1).
Genome position (GRCh38, 1-based): chr19:11,012,992, T>C. VCF-style: chr19-11012992-T-C. GRCh37 (hg19) VCF-style: chr19-11123668-T-C.
Other names: c.2318T>C, p.Leu773Pro (NM_001128844.3, NM_001128845.2, NM_001128846.2 and 6 more transcripts); short protein forms L773P.
Identifiers: ClinVar variation 4802565 (VCV004802565.1).

ClinVar aggregate classification (germline): Uncertain significance (1 of 4 stars; one submission).

Conditions:
Rhabdoid tumor predisposition syndrome 2 (RTPS2). Identifiers: Orphanet 231108, Orphanet 69077, MedGen C2750074, MONDO:0013224, OMIM 613325.

Submission:

Labcorp Genetics (formerly Invitae), Labcorp
Classification: Uncertain significance for Rhabdoid tumor predisposition syndrome 2. Last evaluated: 2025-04-10. Review status: criteria provided, single submitter. Criteria: Invitae Variant Classification Sherloc (09022015). Collection method: clinical testing. Allele origin: germline.
Comment: This sequence change replaces leucine, which is neutral and non-polar, with proline, which is neutral and non-polar, at codon 773 of the SMARCA4 protein (p.Leu773Pro). This variant is not present in population databases (gnomAD no frequency). This variant has not been reported in the literature in individuals affected with SMARCA4-related conditions. Invitae Evidence Modeling of protein sequence and biophysical properties (such as structural, functional, and spatial information, amino acid conservation, physicochemical variation, residue mobility, and thermodynamic stability) indicates that this missense variant is expected to disrupt SMARCA4 protein function with a positive predictive value of 95%. In summary, the available evidence is currently insufficient to determine the role of this variant in disease. Therefore, it has been classified as a Variant of Uncertain Significance.